The following is an entry in ClinVar:

ClinVar aggregate classification (germline): Pathogenic (1 of 4 stars; one submission).

Conditions:
Early-infantile DEE. Also called: Early infantile epileptic encephalopathy; Ohtahara syndrome; Early infantile epileptic encephalopathy with suppression bursts. Identifiers: Orphanet 1934, MedGen C0393706, MONDO:0800491.

Submission:

Labcorp Genetics (formerly Invitae), Labcorp
Classification: Pathogenic for Early-infantile DEE. Last evaluated: 2022-09-01. Review status: criteria provided, single submitter. Criteria: Invitae Variant Classification Sherloc (09022015). Collection method: clinical testing. Allele origin: germline.
Comment: This variant is not present in population databases (gnomAD no frequency). This sequence change replaces serine, which is neutral and polar, with proline, which is neutral and non-polar, at codon 1723 of the SCN1A protein (p.Ser1723Pro). ClinVar contains an entry for this variant (Variation ID: 461279). This missense change has been observed in individual(s) with clinical features of SCN1A-related conditions (Invitae). In at least one individual the variant was observed to be de novo. For these reasons, this variant has been classified as Pathogenic. Advanced modeling of protein sequence and biophysical properties (such as structural, functional, and spatial information, amino acid conservation, physicochemical variation, residue mobility, and thermodynamic stability) performed at Invitae indicates that this missense variant is expected to disrupt SCN1A protein function.

NM_001165963.4(SCN1A):c.5167T>C (p.Ser1723Pro)

Genes: SCN1A (sodium voltage-gated channel alpha subunit 1; minus strand), LOC102724058 (uncharacterized LOC102724058; plus strand). Cytogenetic location: 2q24.3.
Variant type: single nucleotide variant.
Coding change: c.5167T>C on transcript NM_001165963.4 (MANE Select); coding-DNA position 5167, T replaced by C.
Protein change: p.Ser1723Pro; replaces serine 1723 with proline.
Molecular consequence: missense variant. On other transcripts: non-coding transcript variant (1).
Genome position (GRCh38, 1-based): chr2:165,992,108, A>G on the plus strand (T>C on the coding strand, the complement: SCN1A is on the minus strand). VCF-style: chr2-165992108-A-G. GRCh37 (hg19) VCF-style: chr2-166848618-A-G.
Other names: c.5134T>C, p.Ser1712Pro (NM_001353951.2, NM_001353952.2, NM_006920.6 and 2 more transcripts); c.5131T>C, p.Ser1711Pro (NM_001353954.2, NM_001353955.2); c.5083T>C, p.Ser1695Pro (NM_001353957.2, NM_001353958.2, NM_001165964.3); c.5080T>C, p.Ser1694Pro (NM_001353960.2); c.2725T>C, p.Ser909Pro (NM_001353961.2); c.5167T>C, p.Ser1723Pro (NM_001202435.3, NM_001353948.2); short protein forms S1712P, S1723P, S1694P, S1695P, S1711P, S909P.
Identifiers: ClinVar variation 461279 (VCV000461279.9), dbSNP rs1553520320, ClinGen allele CA349068817.